The following is an entry in ClinVar:

NM_001384140.1(PCDH15):c.470A>G (p.Asn157Ser)

Gene: PCDH15 (protocadherin related 15; minus strand). Cytogenetic location: 10q21.1.
Variant type: single nucleotide variant.
Coding change: c.470A>G on transcript NM_001384140.1 (MANE Select); coding-DNA position 470, A replaced by G.
Protein change: p.Asn157Ser; replaces asparagine 157 with serine.
Molecular consequence: missense variant.
Genome position (GRCh38, 1-based): chr10:54,369,124, T>C on the plus strand (A>G on the coding strand, the complement: PCDH15 is on the minus strand). VCF-style: chr10-54369124-T-C. GRCh37 (hg19) VCF-style: chr10-56128884-T-C.
Other names: c.485A>G, p.Asn162Ser (NM_001142763.2, NM_001142769.4, NM_001142771.2); c.470A>G, p.Asn157Ser (NM_001142764.2, NM_001354411.2, NM_001354420.2 and 8 more transcripts); c.404A>G, p.Asn135Ser (NM_001142773.2, NM_001354404.2, NM_001142768.2); short protein forms N157S, N135S, N162S.
Identifiers: ClinVar variation 164934 (VCV000164934.10), dbSNP rs727503368, ClinGen allele CA177615.

ClinVar aggregate classification (germline): Uncertain significance. Review status: criteria provided, multiple submitters, no conflicts (2 of 4 stars). 4 submissions from 4 submitters: Uncertain significance (3). 1 of the submissions does not count toward it. Last evaluated 2022-11-15.

Conditions:
Usher syndrome type 1F (USH1F). Also called: USHER SYNDROME, TYPE IF. Identifiers: Orphanet 231169, Orphanet 886, MedGen C1865885, MONDO:0011186, OMIM 602083.

Allele frequency attached by ClinVar (database versions not stated): ExAC 0.00001; gnomAD 0.00001; gnomAD exomes 0.00001 and 0.00002; TOPMed 0.00002.
gnomAD v4.1: 25 of 1,612,730 alleles (0.0016%); highest among the groups gnomAD compares: Non-Finnish European, 0.002%; no homozygotes.

Submissions (4):

Blueprint Genetics
Classification: Uncertain significance. Last evaluated: 2022-11-15. Review status: criteria provided, single submitter. Criteria: ACMG Guidelines, 2015. Collection method: clinical testing. Allele origin: germline.

Labcorp Genetics (formerly Invitae), Labcorp
Classification: Uncertain significance. Last evaluated: 2022-10-04. Review status: criteria provided, single submitter. Criteria: Invitae Variant Classification Sherloc (09022015). Collection method: clinical testing. Allele origin: germline.
Comment: This sequence change replaces asparagine, which is neutral and polar, with serine, which is neutral and polar, at codon 157 of the PCDH15 protein (p.Asn157Ser). This variant is present in population databases (rs727503368, gnomAD 0.004%). This variant has not been reported in the literature in individuals affected with PCDH15-related conditions. ClinVar contains an entry for this variant (Variation ID: 164934). Advanced modeling of protein sequence and biophysical properties (such as structural, functional, and spatial information, amino acid conservation, physicochemical variation, residue mobility, and thermodynamic stability) performed at Invitae indicates that this missense variant is not expected to disrupt PCDH15 protein function. Algorithms developed to predict the effect of sequence changes on RNA splicing suggest that this variant may create or strengthen a splice site. In summary, the available evidence is currently insufficient to determine the role of this variant in disease. Therefore, it has been classified as a Variant of Uncertain Significance.

Laboratory for Molecular Medicine, Mass General Brigham Personalized Medicine
Classification: Uncertain significance. Last evaluated: 2014-11-08. Review status: criteria provided, single submitter. Criteria: LMM Criteria. Collection method: clinical testing. Allele origin: germline. Observed: 2 variant alleles.
Comment: The p.Asn157Ser variant in PCDH15 has not been previously reported in individual s with hearing loss or in large population studies. Although this variant is not located within the splice consensus sequence, splicing computational tools pred ict the possible creation of a novel 5' splice site. However, the accuracy of th e splice prediction tools is unknown and these predictions are insufficient to a ssume pathogenicity. Other computational prediction tools and conservation analy sis do not provide strong support for or against an impact to the protein. In su mmary, the clinical significance of the p.Asn157Ser variant is uncertain.

Natera, Inc.
Classification: Uncertain significance for Usher syndrome type 1F. Last evaluated: 2019-11-11. Review status: no assertion criteria provided. Collection method: clinical testing. Allele origin: germline. Not counted in ClinVar's aggregate classification.